The following is an entry in ClinVar:

ClinVar aggregate classification (germline): Likely pathogenic (1 of 4 stars; one submission).

Conditions:
MCM3AP-related disorder. Also called: MCM3AP-related condition.

Submission:

PreventionGenetics, part of Exact Sciences
Classification: Likely pathogenic for MCM3AP-related condition. Last evaluated: 2023-07-12. Review status: criteria provided, single submitter. Criteria: ACMG Guidelines, 2015. Collection method: clinical testing. Allele origin: germline.
Comment: The MCM3AP c.4159delG variant is predicted to result in a frameshift and premature protein termination (p.Val1387Serfs*36). To our knowledge, this variant has not been reported in the literature or in a large population database, indicating this variant is rare. Frameshift variants in MCM3AP are expected to be pathogenic. This variant is interpreted as likely pathogenic.

NM_003906.5(MCM3AP):c.4159del (p.Val1387fs)

Genes: MCM3AP (minichromosome maintenance complex component 3 associated protein; minus strand), MCM3AP-AS1 (MCM3AP antisense RNA 1; plus strand). Cytogenetic location: 21q22.3.
Variant type: Deletion.
Coding change: c.4159del on transcript NM_003906.5 (MANE Select); coding-DNA position 4159, one base deleted (G; older notation c.4159delG).
Protein change: p.Val1387fs; shifts the reading frame from valine 1387.
Molecular consequence: frameshift variant. On other transcripts: non-coding transcript variant (2).
Genome position (GRCh38, 1-based): chr21:46,251,660, C deleted on the plus strand (G on the coding strand, the reverse complement: MCM3AP is on the minus strand). VCF-style (leftmost placement, unchanged base first): chr21-46251659-AC-A. GRCh37 (hg19) VCF-style: chr21-47671573-AC-A.
Other names: short protein forms V1387fs.
Identifiers: ClinVar variation 2635763 (VCV002635763.1), dbSNP rs2517345434, ClinGen allele CA2695200055.